The following is an entry in ClinVar:

ClinVar aggregate classification (germline): Uncertain significance (1 of 4 stars; one submission).

Submission:

GeneDx
Classification: Uncertain significance. Last evaluated: 2024-10-07. Review status: criteria provided, single submitter. Criteria: GeneDx Variant Classification Process June 2021. Collection method: clinical testing. Allele origin: germline. Affected: yes.
Comment: Has not been previously published as pathogenic or benign to our knowledge; In silico analysis suggests this variant may impact gene splicing. In the absence of RNA/functional studies, the actual effect of this sequence change is unknown.; Reported using an alternate transcript of the gene

NM_017628.4(TET2):c.-193+2_-193+5dup

Gene: TET2 (tet methylcytosine dioxygenase 2; plus strand). Cytogenetic location: 4q24.
Variant type: Duplication.
Coding change: c.-193+2_-193+5dup on transcript NM_017628.4; the canonical splice donor site of the intron after 193 bases upstream of the start codon through 5 bases into the intron after 193 bases upstream of the start codon, 4 bases duplicated (TAAG; older notation c.-193+2_-193+5dupTAAG).
Molecular consequence: splice donor variant.
Genome position (GRCh38, 1-based): chr4:105,146,088-105,146,091, TAAG duplicated; duplicating any 4 consecutive bases within chr4:105,146,087-105,146,091 gives the same sequence; the c. name uses the placement nearest the transcript's 3' end. VCF-style (leftmost placement, unchanged base first): chr4-105146086-G-GGTAA. GRCh37 (hg19) VCF-style: chr4-106067243-G-GGTAA.
Identifiers: ClinVar variation 3776520 (VCV003776520.1).